The following is an entry in ClinVar:

NM_206933.4(USH2A):c.800T>C (p.Val267Ala)

Gene: USH2A (usherin; minus strand). Cytogenetic location: 1q41.
Variant type: single nucleotide variant.
Coding change: c.800T>C on transcript NM_206933.4 (MANE Select); coding-DNA position 800, T replaced by C.
Protein change: p.Val267Ala; replaces valine 267 with alanine.
Molecular consequence: missense variant.
Genome position (GRCh38, 1-based): chr1:216,327,639, A>G on the plus strand (T>C on the coding strand, the complement: USH2A is on the minus strand). VCF-style: chr1-216327639-A-G. GRCh37 (hg19) VCF-style: chr1-216500981-A-G.
Other names: c.800T>C, p.Val267Ala (NM_007123.6); short protein forms V267A.
Identifiers: ClinVar variation 967956 (VCV000967956.8), dbSNP rs1047582820, ClinGen allele CA37899305.
Genomic context (GRCh38, chr1:216,327,639, plus strand): 5'-ACATCTGCTTACCTGTTTGTAAGTGCCACTTGGTATAATCGAAAATCTTGCATTCTTCCG[A>G]CAAACTGCTCTAAACCTGCAAATACACACATGTGCATAATATAAGAAGTCTCTGTTTACC-3'
Protein context (NP_996816.3, residues 257-277): GQSLNGLEQF[Val267Ala]GRMQDFRLYQ

ClinVar aggregate classification (germline): Uncertain significance. Review status: criteria provided, single submitter (1 of 4 stars). 2 submissions from 2 submitters: Uncertain significance (1). 1 of the submissions does not count toward it. Last evaluated 2022-01-12.

Conditions:
Usher syndrome type 2A. Also called: RETINAL DISEASE IN USHER SYNDROME TYPE IIA, MODIFIER OF; USHER SYNDROME, TYPE IIA. Identifiers: Orphanet 231178, Orphanet 886, MedGen C1848634, MONDO:0010169, OMIM 276901.

Allele frequency attached by ClinVar (database versions not stated): gnomAD exomes below 0.00001; gnomAD 0.00001.
gnomAD v4.1: 4 of 1,613,098 alleles (0.00025%); highest among the groups gnomAD compares: African/African-American, 0.0053%; no homozygotes.

Submissions (2):

Labcorp Genetics (formerly Invitae), Labcorp
Classification: Uncertain significance. Last evaluated: 2022-01-12. Review status: criteria provided, single submitter. Criteria: Invitae Variant Classification Sherloc (09022015). Collection method: clinical testing. Allele origin: germline.
Comment: This sequence change replaces valine, which is neutral and non-polar, with alanine, which is neutral and non-polar, at codon 267 of the USH2A protein (p.Val267Ala). This variant is present in population databases (no rsID available, gnomAD 0.008%). This variant has not been reported in the literature in individuals affected with USH2A-related conditions. ClinVar contains an entry for this variant (Variation ID: 967956). Algorithms developed to predict the effect of missense changes on protein structure and function (SIFT, PolyPhen-2, Align-GVGD) all suggest that this variant is likely to be disruptive. In summary, the available evidence is currently insufficient to determine the role of this variant in disease. Therefore, it has been classified as a Variant of Uncertain Significance.

Natera, Inc.
Classification: Uncertain significance for Usher syndrome type 2A. Last evaluated: 2020-08-25. Review status: no assertion criteria provided. Collection method: clinical testing. Allele origin: germline. Not counted in ClinVar's aggregate classification.